The following is an entry in ClinVar:

NM_001999.4(FBN2):c.7840+288A>G

Gene: FBN2 (fibrillin 2; minus strand). Cytogenetic location: 5q23.3.
Variant type: single nucleotide variant.
Coding change: c.7840+288A>G on transcript NM_001999.4 (MANE Select); 288 bases into the intron after coding-DNA position 7840, A replaced by G.
Molecular consequence: intron variant.
Genome position (GRCh38, 1-based): chr5:128,273,552, T>C on the plus strand (A>G on the coding strand, the complement: FBN2 is on the minus strand). VCF-style: chr5-128273552-T-C. GRCh37 (hg19) VCF-style: chr5-127609244-T-C.
Other names: NC_000005.9:g.127609244T>C.
Identifiers: ClinVar variation 683873 (VCV000683873.2), dbSNP rs72785104, ClinGen allele CA11943196.
Genomic context (GRCh38, chr5:128,273,552, plus strand): 5'-TGGAACAAAAGGCCAATTATTATTTTTTTCTGGTATGCTTGTACACTACCGCAAACCATA[T>C]TAGGCACAGAATTCTTTTTCAATTCAATTCTTTCTCAGATCCATGATTAGTCAACAGTTA-3'

ClinVar aggregate classification (germline): Benign (1 of 4 stars; one submission).

Allele frequency attached by ClinVar (database versions not stated): 1000 Genomes Project 0.15715; 1000 Genomes Project 30x 0.15771; gnomAD 0.18888 and 0.19256; TOPMed 0.19021.
gnomAD v4.1: 28,825 of 152,150 alleles (19%); highest among the groups gnomAD compares: African/African-American, 21%; 2,856 homozygotes.

Submissions (14):

GeneDx
Classification: Benign. Last evaluated: 2018-06-19. Review status: criteria provided, single submitter. Criteria: GeneDx Variant Classification (06012015). Collection method: clinical testing. Allele origin: germline. Affected: yes.
Comment: This variant is considered likely benign or benign based on one or more of the following criteria: it is a conservative change, it occurs at a poorly conserved position in the protein, it is predicted to be benign by multiple in silico algorithms, and/or has population frequency not consistent with disease.

Dr. Peter K. Rogan Lab, Western University
No classification provided (evidence only). Condition: Uterine corpus endometrial carcinoma. Review status: no classification provided. Collection method: in vitro. Allele origin: not applicable. Functional consequence: retained intron. Not counted in ClinVar's aggregate classification.

Dr. Peter K. Rogan Lab, Western University
No classification provided (evidence only). Condition: Uterine corpus endometrial carcinoma. Review status: no classification provided. Collection method: in vitro. Allele origin: not applicable. Functional consequence: retained intron. Not counted in ClinVar's aggregate classification.

Dr. Peter K. Rogan Lab, Western University
No classification provided (evidence only). Condition: Cervical cancer. Review status: no classification provided. Collection method: in vitro. Allele origin: not applicable. Functional consequence: retained intron. Not counted in ClinVar's aggregate classification.

Dr. Peter K. Rogan Lab, Western University
No classification provided (evidence only). Condition: Cervical cancer. Review status: no classification provided. Collection method: in vitro. Allele origin: not applicable. Functional consequence: retained intron. Not counted in ClinVar's aggregate classification.

Dr. Peter K. Rogan Lab, Western University
No classification provided (evidence only). Condition: Thymoma. Review status: no classification provided. Collection method: in vitro. Allele origin: not applicable. Functional consequence: retained intron. Not counted in ClinVar's aggregate classification.

Dr. Peter K. Rogan Lab, Western University
No classification provided (evidence only). Condition: Cholangiocarcinoma. Review status: no classification provided. Collection method: in vitro. Allele origin: not applicable. Functional consequence: retained intron. Not counted in ClinVar's aggregate classification.

Dr. Peter K. Rogan Lab, Western University
No classification provided (evidence only). Condition: Cholangiocarcinoma. Review status: no classification provided. Collection method: in vitro. Allele origin: not applicable. Functional consequence: retained intron. Not counted in ClinVar's aggregate classification.

Dr. Peter K. Rogan Lab, Western University
No classification provided (evidence only). Condition: Ovarian serous cystadenocarcinoma. Review status: no classification provided. Collection method: in vitro. Allele origin: not applicable. Functional consequence: retained intron. Not counted in ClinVar's aggregate classification.

Dr. Peter K. Rogan Lab, Western University
No classification provided (evidence only). Condition: Ovarian serous cystadenocarcinoma. Review status: no classification provided. Collection method: in vitro. Allele origin: not applicable. Functional consequence: retained intron. Not counted in ClinVar's aggregate classification.

Dr. Peter K. Rogan Lab, Western University
No classification provided (evidence only). Condition: Ovarian serous cystadenocarcinoma. Review status: no classification provided. Collection method: in vitro. Allele origin: not applicable. Functional consequence: retained intron. Not counted in ClinVar's aggregate classification.

Dr. Peter K. Rogan Lab, Western University
No classification provided (evidence only). Condition: Malignant tumor of esophagus. Review status: no classification provided. Collection method: in vitro. Allele origin: not applicable. Functional consequence: retained intron. Not counted in ClinVar's aggregate classification.

Dr. Peter K. Rogan Lab, Western University
No classification provided (evidence only). Condition: Malignant tumor of esophagus. Review status: no classification provided. Collection method: in vitro. Allele origin: not applicable. Functional consequence: retained intron. Not counted in ClinVar's aggregate classification.

Dr. Peter K. Rogan Lab, Western University
No classification provided (evidence only). Condition: Malignant tumor of esophagus. Review status: no classification provided. Collection method: in vitro. Allele origin: not applicable. Functional consequence: retained intron. Not counted in ClinVar's aggregate classification.